The following is an entry in ClinVar:

NM_001291415.2(KDM6A):c.3766A>G (p.Asn1256Asp)

Gene: KDM6A (lysine demethylase 6A; plus strand). Cytogenetic location: Xp11.3.
Variant type: single nucleotide variant.
Coding change: c.3766A>G on transcript NM_001291415.2 (MANE Select); coding-DNA position 3766, A replaced by G.
Protein change: p.Asn1256Asp; replaces asparagine 1256 with aspartic acid.
Molecular consequence: missense variant. On other transcripts: non-coding transcript variant (1).
Genome position (GRCh38, 1-based): chrX:45,089,804, A>G. VCF-style: chrX-45089804-A-G. GRCh37 (hg19) VCF-style: chrX-44949049-A-G.
Other names: c.3631A>G, p.Asn1211Asp (NM_001291416.2); c.3475A>G, p.Asn1159Asp (NM_001291417.2); c.3373A>G, p.Asn1125Asp (NM_001291418.2); c.2722A>G, p.Asn908Asp (NM_001291421.2); c.3508A>G, p.Asn1170Asp (NM_001410742.1); c.3610A>G, p.Asn1204Asp (NM_021140.4); short protein forms N1159D, N1256D, N1204D, N1125D, N1170D, N908D, N1211D.
Identifiers: ClinVar variation 2257305 (VCV002257305.3), dbSNP rs1470903064, ClinGen allele CA412806879.

ClinVar aggregate classification (germline): Uncertain significance. Review status: criteria provided, multiple submitters, no conflicts (2 of 4 stars). 2 submissions from 2 submitters: Uncertain significance (2). Last evaluated 2023-08-10.

Conditions:
Inborn genetic diseases. Identifiers: MedGen C0950123, MeSH D030342.

Allele frequency attached by ClinVar (database versions not stated): gnomAD exomes below 0.00001.
gnomAD v4.1: 1 of 1,208,623 alleles (0.000083%); highest among the groups gnomAD compares: Non-Finnish European, 0.00011%; no homozygotes.

Submissions (2):

GeneDx
Classification: Uncertain significance. Last evaluated: 2023-08-10. Review status: criteria provided, single submitter. Criteria: GeneDx Variant Classification Process June 2021. Collection method: clinical testing. Allele origin: germline. Affected: yes.
Comment: Not observed at significant frequency in large population cohorts (gnomAD); In silico analysis supports that this missense variant does not alter protein structure/function; Has not been previously published as pathogenic or benign to our knowledge

Ambry Genetics
Classification: Uncertain significance for Inborn genetic diseases. Last evaluated: 2021-10-26. Review status: criteria provided, single submitter. Criteria: Ambry Variant Classification Scheme 2023. Collection method: clinical testing. Allele origin: germline.